The following is an entry in ClinVar:

NM_000104.4(CYP1B1):c.439G>C (p.Ala147Pro)

Gene: CYP1B1 (cytochrome P450 family 1 subfamily B member 1; minus strand). Cytogenetic location: 2p22.2.
Variant type: single nucleotide variant.
Coding change: c.439G>C on transcript NM_000104.4 (MANE Select); coding-DNA position 439, G replaced by C.
Protein change: p.Ala147Pro; replaces alanine 147 with proline.
Molecular consequence: missense variant.
Genome position (GRCh38, 1-based): chr2:38,074,950, C>G on the plus strand (G>C on the coding strand, the complement: CYP1B1 is on the minus strand). VCF-style: chr2-38074950-C-G. GRCh37 (hg19) VCF-style: chr2-38302093-C-G.
Other names: short protein forms A147P.
Identifiers: ClinVar variation 967677 (VCV000967677.7), dbSNP rs1682502726, ClinGen allele CA346329250.

ClinVar aggregate classification (germline): Uncertain significance (1 of 4 stars; one submission).

Conditions:
Congenital glaucoma. Identifiers: MedGen C0020302, MONDO:0020366.

Submission:

Labcorp Genetics (formerly Invitae), Labcorp
Classification: Uncertain significance for Congenital glaucoma. Last evaluated: 2021-08-30. Review status: criteria provided, single submitter. Criteria: Invitae Variant Classification Sherloc (09022015). Collection method: clinical testing. Allele origin: germline.
Comment: This sequence change replaces alanine with proline at codon 147 of the CYP1B1 protein (p.Ala147Pro). The alanine residue is moderately conserved and there is a small physicochemical difference between alanine and proline. The frequency data for this variant in the population databases is considered unreliable, as metrics indicate insufficient coverage at this position in the ExAC database. This missense change has been observed in individual(s) with clinical features of primary congenital glaucoma (Invitae). Algorithms developed to predict the effect of missense changes on protein structure and function are either unavailable or do not agree on the potential impact of this missense change (SIFT: "Tolerated"; PolyPhen-2: "Probably Damaging"; Align-GVGD: "Class C0"). In summary, the available evidence is currently insufficient to determine the role of this variant in disease. Therefore, it has been classified as a Variant of Uncertain Significance.